The following is an entry in ClinVar:

NM_001080433.2(CCDC85A):c.1149C>A (p.Gly383=)

Gene: CCDC85A (coiled-coil domain containing 85A; plus strand). Cytogenetic location: 2p16.1.
Variant type: single nucleotide variant.
Coding change: c.1149C>A on transcript NM_001080433.2 (MANE Select); coding-DNA position 1149, C replaced by A.
Protein change: p.Gly383=; no amino-acid change (glycine 383 retained).
Molecular consequence: synonymous variant.
Genome position (GRCh38, 1-based): chr2:56,193,349, C>A. VCF-style: chr2-56193349-C-A. GRCh37 (hg19) VCF-style: chr2-56420484-C-A.
Other names: c.1149C>A, p.Gly383= (NM_001348512.1, NM_001348513.1, NM_001348514.1 and 2 more transcripts).
Identifiers: ClinVar variation 2650955 (VCV002650955.24), dbSNP rs139777024, ClinGen allele CA1669415.

ClinVar aggregate classification (germline): Likely benign (1 of 4 stars; one submission).

Allele frequency attached by ClinVar (database versions not stated): TOPMed 0.00072; gnomAD 0.00092; gnomAD exomes 0.00099; ExAC 0.00171; 1000 Genomes Project 30x 0.00031; 1000 Genomes Project 0.00040; ESP Exome Variant Server 0.00069.
gnomAD v4.1: 1,575 of 1,611,648 alleles (0.098%); highest among the groups gnomAD compares: Non-Finnish European, 0.12%; 3 homozygotes.

Submission:

CeGaT Center for Human Genetics Tuebingen
Classification: Likely benign. Last evaluated: 2022-07-01. Review status: criteria provided, single submitter. Criteria: CeGaT Center For Human Genetics Tuebingen Variant Classification Criteria Version 2. Collection method: clinical testing. Allele origin: germline. Affected: yes. Observed: 1 variant allele.
Comment: CCDC85A: BP4, BP7